The following is an entry in ClinVar:

NM_006947.4(SRP72):c.50A>G (p.Glu17Gly)

Gene: SRP72 (signal recognition particle 72; plus strand). Cytogenetic location: 4q12.
Variant type: single nucleotide variant.
Coding change: c.50A>G on transcript NM_006947.4 (MANE Select); coding-DNA position 50, A replaced by G.
Protein change: p.Glu17Gly; replaces glutamic acid 17 with glycine.
Molecular consequence: missense variant. On other transcripts: non-coding transcript variant (1).
Genome position (GRCh38, 1-based): chr4:56,467,685, A>G. VCF-style: chr4-56467685-A-G. GRCh37 (hg19) VCF-style: chr4-57333851-A-G.
Other names: c.50A>G, p.Glu17Gly (NM_001267722.2); c.50A>G (NM_006947.3); short protein forms E17G.
Identifiers: ClinVar variation 3240544 (VCV003240544.4), dbSNP rs983709667.

ClinVar aggregate classification (germline): Uncertain significance. Review status: criteria provided, multiple submitters, no conflicts (2 of 4 stars). 3 submissions from 3 submitters: Uncertain significance (3). Last evaluated 2026-01-02.

Conditions:
Autosomal dominant aplasia and myelodysplasia. Also called: Bone marrow failure syndrome 1. Identifiers: Orphanet 314399, MedGen C3808553, MONDO:0013851, OMIM 614675.

Allele frequency attached by ClinVar (database versions not stated): gnomAD exomes below 0.00001; gnomAD 0.00002; TOPMed 0.00005.
gnomAD v4.1: 4 of 1,568,374 alleles (0.00026%); highest among the groups gnomAD compares: Admixed American, 0.0076%; no homozygotes.

Submissions (3):

Labcorp Genetics (formerly Invitae), Labcorp
Classification: Uncertain significance. Last evaluated: 2026-01-02. Review status: criteria provided, single submitter. Criteria: Invitae Variant Classification Sherloc (09022015). Collection method: clinical testing. Allele origin: germline.
Comment: This sequence change replaces glutamic acid, which is acidic and polar, with glycine, which is neutral and non-polar, at codon 17 of the SRP72 protein (p.Glu17Gly). This variant is not present in population databases (gnomAD no frequency). This variant has not been reported in the literature in individuals affected with SRP72-related conditions. ClinVar contains an entry for this variant (Variation ID: 3240544). Invitae Evidence Modeling of protein sequence and biophysical properties (such as structural, functional, and spatial information, amino acid conservation, physicochemical variation, residue mobility, and thermodynamic stability) indicates that this missense variant is expected to disrupt SRP72 protein function with a positive predictive value of 80%. In summary, the available evidence is currently insufficient to determine the role of this variant in disease. Therefore, it has been classified as a Variant of Uncertain Significance.

Ambry Genetics
Classification: Uncertain significance. Last evaluated: 2024-11-22. Review status: criteria provided, single submitter. Criteria: Ambry Variant Classification Scheme 2023. Collection method: clinical testing. Allele origin: germline.
Comment: The p.E17G variant (also known as c.50A>G), located in coding exon 1 of the SRP72 gene, results from an A to G substitution at nucleotide position 50. The glutamic acid at codon 17 is replaced by glycine, an amino acid with similar properties. This amino acid position is conserved. In addition, the in silico prediction for this alteration is inconclusive. Based on the available evidence, the clinical significance of this variant remains unclear.

Baylor Genetics
Classification: Uncertain significance for Autosomal dominant aplasia and myelodysplasia. Last evaluated: 2024-01-27. Review status: criteria provided, single submitter. Criteria: ACMG Guidelines, 2015. Collection method: clinical testing. Allele origin: unknown.